The following is an entry in ClinVar:

ClinVar aggregate classification (germline): Uncertain significance (1 of 4 stars; one submission).

Conditions:
Dilated cardiomyopathy 1J (CMD1J). Also called: CARDIOMYOPATHY, DILATED, WITH SENSORINEURAL HEARING LOSS, AUTOSOMAL DOMINANT. Identifiers: Orphanet 217622, MedGen C1854368, MONDO:0011541, OMIM 605362.

Allele frequency attached by ClinVar (database versions not stated): TOPMed below 0.00001; gnomAD exomes 0.00001 and 0.00002; ExAC 0.00003.
gnomAD v4.1: 4 of 1,614,014 alleles (0.00025%); highest among the groups gnomAD compares: East Asian, 0.0067%; no homozygotes.

Submission:

Labcorp Genetics (formerly Invitae), Labcorp
Classification: Uncertain significance for Dilated cardiomyopathy 1J. Last evaluated: 2017-04-21. Review status: criteria provided, single submitter. Criteria: Invitae Variant Classification Sherloc (09022015). Collection method: clinical testing. Allele origin: germline.
Comment: In summary, this variant is a rare missense change that is not predicted to affect protein function. There is no indication that it causes disease, but the available evidence is currently insufficient to prove that conclusively. Therefore, it has been classified as a Variant of Uncertain Significance. Algorithms developed to predict the effect of missense changes on protein structure and function output the following: SIFT: "Tolerated"; PolyPhen-2: "Benign"; Align-GVGD: "Class C0". The threonine amino acid residue is found in multiple mammalian species, suggesting that this missense change does not adversely affect protein function. These predictions have not been confirmed by published functional studies. This variant is present in population databases (rs763350623, ExAC 0.03%) but has not been reported in the literature in individuals with a EYA4-related disease. This sequence change replaces proline with threonine at codon 175 of the EYA4 protein (p.Pro175Thr). The proline residue is moderately conserved and there is a small physicochemical difference between proline and threonine.

NM_004100.5(EYA4):c.523C>A (p.Pro175Thr)

Gene: EYA4 (EYA transcriptional coactivator and phosphatase 4; plus strand). Cytogenetic location: 6q23.2.
Variant type: single nucleotide variant.
Coding change: c.523C>A on transcript NM_004100.5 (MANE Select); coding-DNA position 523, C replaced by A.
Protein change: p.Pro175Thr; replaces proline 175 with threonine.
Molecular consequence: missense variant.
Genome position (GRCh38, 1-based): chr6:133,462,420, C>A. VCF-style: chr6-133462420-C-A. GRCh37 (hg19) VCF-style: chr6-133783558-C-A.
Other names: c.361C>A, p.Pro121Thr (NM_001301012.2, NM_001370459.1); c.523C>A, p.Pro175Thr (NM_001301013.2, NM_172105.4); c.454C>A, p.Pro152Thr (NM_001370458.1, NM_172103.4); short protein forms P175T, P121T, P152T.
Identifiers: ClinVar variation 465986 (VCV000465986.8), dbSNP rs763350623, ClinGen allele CA4008086.